The following is an entry in ClinVar:

NM_178857.6(RP1L1):c.488G>A (p.Arg163His)

Gene: RP1L1 (RP1 like 1). Cytogenetic location: 8p23.1.
Variant type: single nucleotide variant.
Coding change: c.488G>A on transcript NM_178857.6 (MANE Select); coding-DNA position 488, G replaced by A.
Protein change: p.Arg163His; replaces arginine 163 with histidine.
Molecular consequence: missense variant.
Genome position (GRCh38, 1-based): chr8:10,622,714, C>T on the plus strand (G>A on the coding strand, the complement: RP1L1 is on the minus strand). VCF-style: chr8-10622714-C-T. GRCh37 (hg19) VCF-style: chr8-10480224-C-T.
Other names: short protein forms R163H.
Identifiers: ClinVar variation 361407 (VCV000361407.14), dbSNP rs182807255, ClinGen allele CA4625675.

ClinVar aggregate classification (germline): Conflicting classifications of pathogenicity. Review status: criteria provided, conflicting classifications (1 of 4 stars). 4 submissions from 4 submitters: Uncertain significance (2); Benign (1); Likely benign (1). Last evaluated 2026-06-11.

Conditions:
Occult macular dystrophy (OCMD). Also called: OCCULT MACULAR DYSTROPHY, SUSCEPTIBILITY TO; OMD. Identifiers: Orphanet 247834, MedGen C3150833, MONDO:0013316, OMIM 613587, HP:0030636.
RP1L1-related disorder. Also called: RP1L1-related condition.

Allele frequency attached by ClinVar (database versions not stated): gnomAD 0.00011 and 0.00012; TOPMed 0.00011; gnomAD exomes 0.00016 and 0.00028; ExAC 0.00023; ESP Exome Variant Server 0.00033; 1000 Genomes Project 0.00040; 1000 Genomes Project 30x 0.00047.

Submissions (4):

PreventionGenetics, part of Exact Sciences
Classification: Uncertain significance for RP1L1-related condition. Last evaluated: 2026-06-11. Review status: criteria provided, single submitter. Criteria: ACMG Guidelines, 2015. Collection method: clinical testing. Allele origin: germline.
Comment: The RP1L1 c.488G>A variant is predicted to result in the amino acid substitution p.Arg163His. To our knowledge, this variant has not been reported in the literature. This variant is reported in 0.025% of alleles in individuals of European (Non-Finnish) descent in gnomAD. At this time, the clinical significance of this variant is uncertain due to the absence of conclusive functional and genetic evidence.

Labcorp Genetics (formerly Invitae), Labcorp
Classification: Likely benign. Last evaluated: 2025-12-01. Review status: criteria provided, single submitter. Criteria: Invitae Variant Classification Sherloc (09022015). Collection method: clinical testing. Allele origin: germline.

Blueprint Genetics
Classification: Uncertain significance. Last evaluated: 2024-05-28. Review status: criteria provided, single submitter. Criteria: ACMG Guidelines, 2015. Collection method: clinical testing. Allele origin: germline.

Illumina Laboratory Services, Illumina
Classification: Benign for Occult macular dystrophy. Last evaluated: 2018-01-13. Review status: criteria provided, single submitter. Criteria: ICSL Variant Classification Criteria 13 December 2019. Collection method: clinical testing. Allele origin: germline.
Comment: This variant was observed in the ICSL laboratory as part of a predisposition screen in an ostensibly healthy population. It had not been previously curated by ICSL or reported in the Human Gene Mutation Database (HGMD: prior to June 1st, 2018), and was therefore a candidate for classification through an automated scoring system. Utilizing variant allele frequency, disease prevalence and penetrance estimates, and inheritance mode, an automated score was calculated to assess if this variant is too frequent to cause the disease. Based on the score and internal cut-off values, a variant classified as benign is not then subjected to further curation. The score for this variant resulted in a classification of benign for this disease.